The following is an entry in ClinVar:

NM_006739.4(MCM5):c.413G>A (p.Arg138His)

Gene: MCM5 (minichromosome maintenance complex component 5; plus strand). Cytogenetic location: 22q12.3.
Variant type: single nucleotide variant.
Coding change: c.413G>A on transcript NM_006739.4 (MANE Select); coding-DNA position 413, G replaced by A.
Protein change: p.Arg138His; replaces arginine 138 with histidine.
Molecular consequence: missense variant.
Genome position (GRCh38, 1-based): chr22:35,403,532, G>A. VCF-style: chr22-35403532-G-A. GRCh37 (hg19) VCF-style: chr22-35799525-G-A.
Other names: c.413G>A (NM_006739.3); short protein forms R138H.
Identifiers: ClinVar variation 2074573 (VCV002074573.2), dbSNP rs140426201, ClinGen allele CA10205018.

ClinVar aggregate classification (germline): Uncertain significance. Review status: criteria provided, multiple submitters, no conflicts (2 of 4 stars). 2 submissions from 2 submitters: Uncertain significance (2). Last evaluated 2024-10-20.

Allele frequency attached by ClinVar (database versions not stated): ExAC 0.00003; TOPMed 0.00005; gnomAD 0.00006; gnomAD exomes 0.00008; ESP Exome Variant Server 0.00015; 1000 Genomes Project 30x 0.00016; 1000 Genomes Project 0.00020.
gnomAD v4.1: 127 of 1,613,642 alleles (0.0079%); highest among the groups gnomAD compares: Non-Finnish European, 0.01%; no homozygotes.

Submissions (2):

Ambry Genetics
Classification: Uncertain significance. Last evaluated: 2024-10-20. Review status: criteria provided, single submitter. Criteria: Ambry Variant Classification Scheme 2023. Collection method: clinical testing. Allele origin: germline.

Labcorp Genetics (formerly Invitae), Labcorp
Classification: Uncertain significance. Last evaluated: 2022-03-26. Review status: criteria provided, single submitter. Criteria: Invitae Variant Classification Sherloc (09022015). Collection method: clinical testing. Allele origin: germline.
Comment: This sequence change replaces arginine, which is basic and polar, with histidine, which is basic and polar, at codon 138 of the MCM5 protein (p.Arg138His). This variant is present in population databases (rs140426201, gnomAD 0.008%). This variant has not been reported in the literature in individuals affected with MCM5-related conditions. Algorithms developed to predict the effect of missense changes on protein structure and function are either unavailable or do not agree on the potential impact of this missense change (SIFT: "Deleterious"; PolyPhen-2: "Possibly Damaging"; Align-GVGD: "Class C0"). In summary, the available evidence is currently insufficient to determine the role of this variant in disease. Therefore, it has been classified as a Variant of Uncertain Significance.